The following is an entry in ClinVar:

ClinVar aggregate classification (germline): Uncertain significance (1 of 4 stars; one submission).

Conditions:
Aicardi-Goutieres syndrome 6 (AGS6). Identifiers: Orphanet 51, MedGen C3539013, MONDO:0014007, OMIM 615010.
Symmetrical dyschromatosis of extremities (DSH). Also called: DYSCHROMATOSIS SYMMETRICA HEREDITARIA 1; RETICULATE ACROPIGMENTATION OF DOHI; SYMMETRIC DYSCHROMATOSIS OF THE EXTREMITIES; Dyschromatosis symmetrica hereditaria. Identifiers: Orphanet 41, MedGen C0406775, MONDO:0007483, OMIM 127400.

Allele frequency attached by ClinVar (database versions not stated): gnomAD exomes below 0.00001; ExAC 0.00001; gnomAD 0.00001; TOPMed 0.00001.
gnomAD v4.1: 11 of 1,612,866 alleles (0.00068%); highest among the groups gnomAD compares: South Asian, 0.0088%; no homozygotes.

Submission:

Labcorp Genetics (formerly Invitae), Labcorp
Classification: Uncertain significance for Aicardi-Goutieres syndrome 6; Symmetrical dyschromatosis of extremities. Last evaluated: 2023-08-22. Review status: criteria provided, single submitter. Criteria: Invitae Variant Classification Sherloc (09022015). Collection method: clinical testing. Allele origin: germline.
Comment: This variant is present in population databases (rs758150130, gnomAD 0.003%). This variant has not been reported in the literature in individuals affected with ADAR-related conditions. This sequence change replaces glutamic acid, which is acidic and polar, with lysine, which is basic and polar, at codon 755 of the ADAR protein (p.Glu755Lys). In summary, the available evidence is currently insufficient to determine the role of this variant in disease. Therefore, it has been classified as a Variant of Uncertain Significance. Advanced modeling of protein sequence and biophysical properties (such as structural, functional, and spatial information, amino acid conservation, physicochemical variation, residue mobility, and thermodynamic stability) performed at Invitae indicates that this missense variant is not expected to disrupt ADAR protein function. ClinVar contains an entry for this variant (Variation ID: 1522668).

NM_001111.5(ADAR):c.2263G>A (p.Glu755Lys)

Gene: ADAR (adenosine deaminase RNA specific; minus strand). Cytogenetic location: 1q21.3.
Variant type: single nucleotide variant.
Coding change: c.2263G>A on transcript NM_001111.5 (MANE Select); coding-DNA position 2263, G replaced by A.
Protein change: p.Glu755Lys; replaces glutamic acid 755 with lysine.
Molecular consequence: missense variant.
Genome position (GRCh38, 1-based): chr1:154,596,812, C>T on the plus strand (G>A on the coding strand, the complement: ADAR is on the minus strand). VCF-style: chr1-154596812-C-T. GRCh37 (hg19) VCF-style: chr1-154569288-C-T.
Other names: c.1378G>A, p.Glu460Lys (NM_001025107.3, NM_001193495.2, NM_001365046.1 and 3 more transcripts); c.2290G>A, p.Glu764Lys (NM_001365045.1); c.2263G>A, p.Glu755Lys (NM_015840.4); c.2206G>A, p.Glu736Lys (NM_015841.4); short protein forms E764K, E460K, E736K, E755K.
Identifiers: ClinVar variation 1522668 (VCV001522668.6), dbSNP rs758150130, ClinGen allele CA1131345.